The following is an entry in ClinVar:

NM_001291303.3(FAT4):c.2866G>C (p.Asp956His)

Gene: FAT4 (FAT atypical cadherin 4; plus strand). Cytogenetic location: 4q28.1.
Variant type: single nucleotide variant.
Coding change: c.2866G>C on transcript NM_001291303.3 (MANE Select); coding-DNA position 2866, G replaced by C.
Protein change: p.Asp956His; replaces aspartic acid 956 with histidine.
Molecular consequence: missense variant.
Genome position (GRCh38, 1-based): chr4:125,319,277, G>C. VCF-style: chr4-125319277-G-C. GRCh37 (hg19) VCF-style: chr4-126240432-G-C.
Other names: c.2866G>C, p.Asp956His (NM_001291285.3, NM_024582.6); short protein forms D956H.
Identifiers: ClinVar variation 2012875 (VCV002012875.4), dbSNP rs755254890, ClinGen allele CA358121269.

ClinVar aggregate classification (germline): Uncertain significance (1 of 4 stars; one submission).

Submission:

Labcorp Genetics (formerly Invitae), Labcorp
Classification: Uncertain significance. Last evaluated: 2022-07-01. Review status: criteria provided, single submitter. Criteria: Invitae Variant Classification Sherloc (09022015). Collection method: clinical testing. Allele origin: germline.
Comment: This sequence change replaces aspartic acid, which is acidic and polar, with histidine, which is basic and polar, at codon 956 of the FAT4 protein (p.Asp956His). In summary, the available evidence is currently insufficient to determine the role of this variant in disease. Therefore, it has been classified as a Variant of Uncertain Significance. Advanced modeling of protein sequence and biophysical properties (such as structural, functional, and spatial information, amino acid conservation, physicochemical variation, residue mobility, and thermodynamic stability) performed at Invitae indicates that this missense variant is not expected to disrupt FAT4 protein function. This variant has not been reported in the literature in individuals affected with FAT4-related conditions. This variant is not present in population databases (gnomAD no frequency).